The following is an entry in ClinVar:

ClinVar aggregate classification (germline): Uncertain significance (1 of 4 stars; one submission).

Submission:

Labcorp Genetics (formerly Invitae), Labcorp
Classification: Uncertain significance. Last evaluated: 2024-01-04. Review status: criteria provided, single submitter. Criteria: Invitae Variant Classification Sherloc (09022015). Collection method: clinical testing. Allele origin: germline.
Comment: This sequence change replaces leucine, which is neutral and non-polar, with phenylalanine, which is neutral and non-polar, at codon 2 of the FN1 protein (p.Leu2Phe). This variant is not present in population databases (gnomAD no frequency). This variant has not been reported in the literature in individuals affected with FN1-related conditions. Experimental studies and prediction algorithms are not available or were not evaluated, and the functional significance of this variant is currently unknown. In summary, the available evidence is currently insufficient to determine the role of this variant in disease. Therefore, it has been classified as a Variant of Uncertain Significance.

NM_212482.4(FN1):c.4C>T (p.Leu2Phe)

Genes: FN1 (fibronectin 1; minus strand), FN1-DT (FN1 divergent transcript; plus strand). Cytogenetic location: 2q35.
Variant type: single nucleotide variant.
Coding change: c.4C>T on transcript NM_212482.4 (MANE Select); coding-DNA position 4, C replaced by T.
Protein change: p.Leu2Phe; replaces leucine 2 with phenylalanine.
Molecular consequence: missense variant. On other transcripts: non-coding transcript variant (1).
Genome position (GRCh38, 1-based): chr2:215,435,799, G>A on the plus strand (C>T on the coding strand, the complement: FN1 is on the minus strand). VCF-style: chr2-215435799-G-A. GRCh37 (hg19) VCF-style: chr2-216300522-G-A.
Other names: c.4C>T, p.Leu2Phe (NM_001306129.2, NM_001306130.2, NM_001306131.2 and 14 more transcripts); short protein forms L2F.
Identifiers: ClinVar variation 2707451 (VCV002707451.3), dbSNP rs2470623173, ClinGen allele CA350481287.